The following is an entry in ClinVar:

ClinVar aggregate classification (germline): Likely pathogenic (1 of 4 stars; one submission).

Conditions:
Deficiency of acetyl-CoA acetyltransferase. Also called: 3-KETOTHIOLASE DEFICIENCY; 3-OXOTHIOLASE DEFICIENCY; MITOCHONDRIAL ACETOACETYL-CoA THIOLASE DEFICIENCY; Beta-ketothiolase deficiency. Identifiers: Orphanet 134, MedGen C1536500, MONDO:0008760, OMIM 203750. Disease mechanism: loss of function.

Submissions (3):

Natera, Inc.
Classification: Likely pathogenic for Alpha-methylacetoacetic aciduria. Last evaluated: 2025-12-02. Review status: criteria provided, single submitter. Criteria: Natera Variant Classification Schema (03/2026). Collection method: clinical testing. Allele origin: germline.
Comment: The c.1164-2A>G variant in ACAT1 is a canonical splice acceptor site variant predicted to affect pre-mRNA splicing, which may result in an abnormal transcript and altered protein product. This variant is expected to result in nonsense mediated decay, truncation, or a dysfunctional protein product. This variant is rare in the general population with a frequency below the threshold expected for the associated phenotype(s). Given the available evidence, this variant is classified as Likely Pathogenic.

Dr. Peter K. Rogan Lab, Western University
No classification provided (evidence only). Condition: Nonpapillary renal cell carcinoma. Review status: no classification provided. Collection method: in vitro. Allele origin: not applicable. Functional consequence: retained intron. Not counted in ClinVar's aggregate classification.

Dr. Peter K. Rogan Lab, Western University
No classification provided (evidence only). Condition: Nonpapillary renal cell carcinoma. Review status: no classification provided. Collection method: in vitro. Allele origin: not applicable. Functional consequence: retained intron. Not counted in ClinVar's aggregate classification.

NM_000019.4(ACAT1):c.1164-2A>G

Gene: ACAT1 (acetyl-CoA acetyltransferase 1; plus strand). Cytogenetic location: 11q22.3.
Variant type: single nucleotide variant.
Coding change: c.1164-2A>G on transcript NM_000019.4 (MANE Select); the canonical splice acceptor site of the intron before coding-DNA position 1164, A replaced by G.
Molecular consequence: splice acceptor variant. On other transcripts: missense variant (1).
Genome position (GRCh38, 1-based): chr11:108,147,268, A>G. VCF-style: chr11-108147268-A-G. GRCh37 (hg19) VCF-style: chr11-108017995-A-G.
Other names: NC_000011.9:g.108017995A>G; c.1164-2A>G (NM_000019.3); c.1183A>G, p.Arg395Gly (NM_001386677.1); c.894-2A>G (NM_001386682.1, NM_001386681.1, NM_001386685.1 and 6 more transcripts); c.867-2A>G (NM_001386679.1); c.849-2A>G (NM_001386678.1); short protein forms R395G.
Identifiers: ClinVar variation 4367262 (VCV004367262.2).
Genomic context (GRCh38, chr11:108,147,268, plus strand): 5'-ACATTTTGGTTAGTCATAAATTCTGTACTTCATTAAAGAAGTAAATGCTTTCTTAATTTT[A>G]GGATGTCTGGAGCCAGGATTGTTGGTCATTTGACTCATGCCTTGAAGCAAGGAGAATACG-3'